The following is an entry in ClinVar:

NM_001242896.3(DEPDC5):c.1803C>T (p.Phe601=)

Gene: DEPDC5 (DEP domain containing 5, GATOR1 subcomplex subunit; plus strand). Cytogenetic location: 22q12.3.
Variant type: single nucleotide variant.
Coding change: c.1803C>T on transcript NM_001242896.3 (MANE Select); coding-DNA position 1803, C replaced by T.
Protein change: p.Phe601=; no amino-acid change (phenylalanine 601 retained).
Molecular consequence: synonymous variant. On other transcripts: non-coding transcript variant (5).
Genome position (GRCh38, 1-based): chr22:31,819,158, C>T. VCF-style: chr22-31819158-C-T. GRCh37 (hg19) VCF-style: chr22-32215144-C-T.
Other names: c.1803C>T, p.Phe601= (NM_001136029.4, NM_001242897.2, NM_001363852.2 and 6 more transcripts); c.1719C>T, p.Phe573= (NM_001369901.1, NM_001369902.1).
Identifiers: ClinVar variation 466459 (VCV000466459.15), dbSNP rs368563183, ClinGen allele CA10196465.

ClinVar aggregate classification (germline): Likely benign. Review status: criteria provided, multiple submitters, no conflicts (2 of 4 stars). 2 submissions from 2 submitters: Likely benign (2). Last evaluated 2026-03-01.

Conditions:
Familial focal epilepsy with variable foci (FPEVF). Identifiers: Orphanet 98820, MedGen C1858477, MONDO:0020310.

Allele frequency attached by ClinVar (database versions not stated): ExAC 0.00002; gnomAD exomes 0.00002 and 0.00003; gnomAD 0.00004; TOPMed 0.00004; ESP Exome Variant Server 0.00008.
gnomAD v4.1: 45 of 1,614,060 alleles (0.0028%); highest among the groups gnomAD compares: Non-Finnish European, 0.0037%; no homozygotes.

Submissions (2):

CeGaT Center for Human Genetics Tuebingen
Classification: Likely benign. Last evaluated: 2026-03-01. Review status: criteria provided, single submitter. Criteria: CeGaT Center For Human Genetics Tuebingen Variant Classification Criteria Version 2. Collection method: clinical testing. Allele origin: germline. Affected: yes. Observed: 1 variant allele.
Comment: DEPDC5: BP4, BP7

Labcorp Genetics (formerly Invitae), Labcorp
Classification: Likely benign for Familial focal epilepsy with variable foci. Last evaluated: 2025-10-02. Review status: criteria provided, single submitter. Criteria: Invitae Variant Classification Sherloc (09022015). Collection method: clinical testing. Allele origin: germline.